The following is an entry in ClinVar:

ClinVar aggregate classification (germline): Uncertain significance (1 of 4 stars; one submission).

Conditions:
GREB1L-related disorder. Also called: GREB1L-related condition.

Allele frequency attached by ClinVar (database versions not stated): gnomAD exomes below 0.00001; gnomAD 0.00001; TOPMed 0.00001.
gnomAD v4.1: 7 of 1,551,544 alleles (0.00045%); highest among the groups gnomAD compares: Non-Finnish European, 0.00061%; no homozygotes.

Submission:

PreventionGenetics, part of Exact Sciences
Classification: Uncertain significance for GREB1L-related condition. Last evaluated: 2023-04-25. Review status: criteria provided, single submitter. Criteria: ACMG Guidelines, 2015. Collection method: clinical testing. Allele origin: germline.
Comment: The GREB1L c.2065G>A variant is predicted to result in the amino acid substitution p.Ala689Thr. To our knowledge, this variant has not been reported in the literature. This variant is reported in 0.0033% of alleles in individuals of European (Non-Finnish) descent in gnomAD. At this time, the clinical significance of this variant is uncertain due to the absence of conclusive functional and genetic evidence.

NM_001142966.3(GREB1L):c.2065G>A (p.Ala689Thr)

Gene: GREB1L (GREB1 like retinoic acid receptor coactivator; plus strand). Cytogenetic location: 18q11.1.
Variant type: single nucleotide variant.
Coding change: c.2065G>A on transcript NM_001142966.3 (MANE Select); coding-DNA position 2065, G replaced by A.
Protein change: p.Ala689Thr; replaces alanine 689 with threonine.
Molecular consequence: missense variant.
Genome position (GRCh38, 1-based): chr18:21,454,446, G>A. VCF-style: chr18-21454446-G-A. GRCh37 (hg19) VCF-style: chr18-19034407-G-A.
Other names: c.2194G>A, p.Ala732Thr (NM_001410867.1); c.1738G>A, p.Ala580Thr (NM_001410868.1); short protein forms A580T, A689T, A732T.
Identifiers: ClinVar variation 2634558 (VCV002634558.1), dbSNP rs907525283, ClinGen allele CA296929352.